The following is an entry in ClinVar:

NM_001615.4(ACTG2):c.613+8G>T

Gene: ACTG2 (actin gamma 2, smooth muscle; plus strand). Cytogenetic location: 2p13.1.
Variant type: single nucleotide variant.
Coding change: c.613+8G>T on transcript NM_001615.4 (MANE Select); 8 bases into the intron after coding-DNA position 613, G replaced by T.
Molecular consequence: intron variant.
Genome position (GRCh38, 1-based): chr2:73,913,654, G>T. VCF-style: chr2-73913654-G-T. GRCh37 (hg19) VCF-style: chr2-74140781-G-T.
Other names: c.484+8G>T (NM_001199893.2).
Identifiers: ClinVar variation 3056757 (VCV003056757.2), dbSNP rs146450506, ClinGen allele CA1717985.

ClinVar aggregate classification (germline): Benign (0 of 4 stars; one submission).

Conditions:
ACTG2-related disorder. Also called: ACTG2-related condition.

Allele frequency attached by ClinVar (database versions not stated): ESP Exome Variant Server 0.00123; gnomAD exomes 0.00566; gnomAD 0.01059; TOPMed 0.01838; 1000 Genomes Project 0.01897; ExAC 0.01969; 1000 Genomes Project 30x 0.02077.
gnomAD v4.1: 9,741 of 1,603,356 alleles (0.61%); highest among the groups gnomAD compares: Admixed American, 15%; 854 homozygotes.

Submission:

PreventionGenetics, part of Exact Sciences
Classification: Benign for ACTG2-related condition. Last evaluated: 2019-03-07. Review status: no assertion criteria provided. Collection method: clinical testing. Allele origin: germline.
Comment: This variant is classified as benign based on ACMG/AMP sequence variant interpretation guidelines (Richards et al. 2015 PMID: 25741868, with internal and published modifications).